The following is an entry in ClinVar:

ClinVar aggregate classification (germline): Uncertain significance (1 of 4 stars; one submission).

Conditions:
EZH1-associated neurodevelopmental disorder.

Submission:

Institute of Human Genetics, University of Leipzig Medical Center
Classification: Uncertain significance for EZH1-associated neurodevelopmental disorder. Last evaluated: 2025-12-04. Review status: criteria provided, single submitter. Criteria: ACMG Guidelines, 2015. Collection method: clinical testing. Allele origin: unknown. Affected: yes.
Comment: Criteria applied: PM2,PP2,PP3

Literature cited by the submitters: PubMed 37433783.

NM_001991.5(EZH1):c.1922A>T (p.Glu641Val)

Genes: EZH1 (enhancer of zeste 1 polycomb repressive complex 2 subunit; minus strand), LOC128669078 (EZH1 +39 kb lymphoid enhancer; plus strand). Cytogenetic location: 17q21.2.
Variant type: single nucleotide variant.
Coding change: c.1922A>T on transcript NM_001991.5 (MANE Select); coding-DNA position 1922, A replaced by T.
Protein change: p.Glu641Val; replaces glutamic acid 641 with valine.
Molecular consequence: missense variant.
Genome position (GRCh38, 1-based): chr17:42,705,101, T>A on the plus strand (A>T on the coding strand, the complement: EZH1 is on the minus strand). VCF-style: chr17-42705101-T-A. GRCh37 (hg19) VCF-style: chr17-40857119-T-A.
Other names: c.1940A>T, p.Glu647Val (NM_001321079.2); c.1895A>T, p.Glu632Val (NM_001321081.2); c.1802A>T, p.Glu601Val (NM_001321082.2); short protein forms E601V, E632V, E641V, E647V.
Identifiers: ClinVar variation 4683094 (VCV004683094.1).